The following is an entry in ClinVar:

ClinVar aggregate classification (germline): Likely benign. Review status: criteria provided, single submitter (1 of 4 stars). 2 submissions from 2 submitters: Likely benign (1). 1 of the submissions does not count toward it. Last evaluated 2024-11-05.

Conditions:
GIPC3-related disorder. Also called: GIPC3-related condition.

Submissions (2):

Labcorp Genetics (formerly Invitae), Labcorp
Classification: Likely benign. Last evaluated: 2024-11-05. Review status: criteria provided, single submitter. Criteria: Invitae Variant Classification Sherloc (09022015). Collection method: clinical testing. Allele origin: germline.

PreventionGenetics, part of Exact Sciences
Classification: Likely benign for GIPC3-related condition. Last evaluated: 2024-08-27. Review status: no assertion criteria provided. Collection method: clinical testing. Allele origin: germline. Not counted in ClinVar's aggregate classification.
Comment: This variant is classified as likely benign based on ACMG/AMP sequence variant interpretation guidelines (Richards et al. 2015 PMID: 25741868, with internal and published modifications).

NM_133261.3(GIPC3):c.411+7G>C

Gene: GIPC3 (GIPC PDZ domain containing family member 3; plus strand). Cytogenetic location: 19p13.3.
Variant type: single nucleotide variant.
Coding change: c.411+7G>C on transcript NM_133261.3 (MANE Select); 7 bases into the intron after coding-DNA position 411, G replaced by C.
Molecular consequence: intron variant.
Genome position (GRCh38, 1-based): chr19:3,586,687, G>C. VCF-style: chr19-3586687-G-C. GRCh37 (hg19) VCF-style: chr19-3586685-G-C.
Other names: c.411+7G>C (NM_001411144.1).
Identifiers: ClinVar variation 3358311 (VCV003358311.3).